The following is an entry in ClinVar:

NM_001127221.2(CACNA1A):c.5620G>A (p.Ala1874Thr)

Gene: CACNA1A (calcium voltage-gated channel subunit alpha1 A; minus strand). Cytogenetic location: 19p13.13.
Variant type: single nucleotide variant.
Coding change: c.5620G>A on transcript NM_001127221.2 (MANE Plus Clinical); coding-DNA position 5620, G replaced by A.
Protein change: p.Ala1874Thr; replaces alanine 1874 with threonine.
Molecular consequence: missense variant. On other transcripts: intron variant (4).
Genome position (GRCh38, 1-based): chr19:13,228,707, C>T on the plus strand (G>A on the coding strand, the complement: CACNA1A is on the minus strand). VCF-style: chr19-13228707-C-T. GRCh37 (hg19) VCF-style: chr19-13339521-C-T.
Other names: c.5529-1180G>A (NM_001127222.2); c.5538-1180G>A (NM_001174080.2); c.5547-1180G>A (NM_000068.4, NM_023035.3); short protein forms A1874T.
Identifiers: ClinVar variation 967337 (VCV000967337.10), dbSNP rs2055560379, ClinGen allele CA404331427.

ClinVar aggregate classification (germline): Uncertain significance (1 of 4 stars; one submission).

Conditions:
Developmental and epileptic encephalopathy, 42 (DEE42A). Also called: Epileptic encephalopathy, early infantile, 42; DEVELOPMENTAL AND EPILEPTIC ENCEPHALOPATHY 42A; EPILEPTIC ENCEPHALOPATHY, EARLY INFANTILE, 42A. Identifiers: MedGen C4310716, MONDO:0014917, OMIM 617106.
Episodic ataxia type 2 (EA2). Also called: CEREBELLAR ATAXIA, PAROXYSMAL, ACETAZOLAMIDE-RESPONSIVE; CEREBELLOPATHY, HEREDITARY PAROXYSMAL; EPISODIC ATAXIA, NYSTAGMUS-ASSOCIATED; ACETAZOLAMIDE-RESPONSIVE HEREDITARY PAROXYSMAL CEREBELLAR ATAXIA; ATAXIA, EPISODIC, WITH NYSTAGMUS; ATAXIA, FAMILIAL PAROXYSMAL. Identifiers: Orphanet 97, MedGen C1720416, MONDO:0007163, OMIM 108500.

Submission:

Labcorp Genetics (formerly Invitae), Labcorp
Classification: Uncertain significance for Developmental and epileptic encephalopathy, 42; Episodic ataxia type 2. Last evaluated: 2020-03-07. Review status: criteria provided, single submitter. Criteria: Invitae Variant Classification Sherloc (09022015). Collection method: clinical testing. Allele origin: germline.
Comment: In summary, the available evidence is currently insufficient to determine the role of this variant in disease. Therefore, it has been classified as a Variant of Uncertain Significance. Algorithms developed to predict the effect of missense changes on protein structure and function are either unavailable or do not agree on the potential impact of this missense change (SIFT: "Deleterious"; PolyPhen-2: "Probably Damaging"; Align-GVGD: "Class C0"). This variant has not been reported in the literature in individuals with CACNA1A-related conditions. This variant is not present in population databases (ExAC no frequency). This sequence change replaces alanine with threonine at codon 1874 of the CACNA1A protein (p.Ala1874Thr). The alanine residue is highly conserved and there is a small physicochemical difference between alanine and threonine.